The following is an entry in ClinVar:

NM_004519.4(KCNQ3):c.1792T>A (p.Ser598Thr)

Gene: KCNQ3 (potassium voltage-gated channel subfamily Q member 3; minus strand). Cytogenetic location: 8q24.22.
Variant type: single nucleotide variant.
Coding change: c.1792T>A on transcript NM_004519.4 (MANE Select); coding-DNA position 1792, T replaced by A.
Protein change: p.Ser598Thr; replaces serine 598 with threonine.
Molecular consequence: missense variant.
Genome position (GRCh38, 1-based): chr8:132,134,297, A>T on the plus strand (T>A on the coding strand, the complement: KCNQ3 is on the minus strand). VCF-style: chr8-132134297-A-T. GRCh37 (hg19) VCF-style: chr8-133146544-A-T.
Other names: c.1432T>A, p.Ser478Thr (NM_001204824.2); short protein forms S478T, S598T.
Identifiers: ClinVar variation 1432721 (VCV001432721.8), dbSNP rs1272774521, ClinGen allele CA372218009.

ClinVar aggregate classification (germline): Uncertain significance (1 of 4 stars; one submission).

Conditions:
Benign neonatal seizures. Also called: Benign familial neonatal epilepsy; Benign familial neonatal seizures; Convulsions benign familial neonatal dominant form; Autosomal dominant form of benign neonatal seizures; Benign neonatal familial convulsions. Identifiers: Orphanet 1949, MedGen C0220669, MONDO:0016027.

gnomAD v4.1: 11 of 1,613,034 alleles (0.00068%); highest among the groups gnomAD compares: East Asian, 0.0022%; no homozygotes.

Submission:

Labcorp Genetics (formerly Invitae), Labcorp
Classification: Uncertain significance for Benign neonatal seizures. Last evaluated: 2021-07-07. Review status: criteria provided, single submitter. Criteria: Invitae Variant Classification Sherloc (09022015). Collection method: clinical testing. Allele origin: germline.
Comment: This sequence change replaces serine with threonine at codon 598 of the KCNQ3 protein (p.Ser598Thr). The serine residue is moderately conserved and there is a small physicochemical difference between serine and threonine. This variant is not present in population databases (ExAC no frequency). This variant has not been reported in the literature in individuals affected with KCNQ3-related conditions. Algorithms developed to predict the effect of missense changes on protein structure and function are either unavailable or do not agree on the potential impact of this missense change (SIFT: "Deleterious"; PolyPhen-2: "Probably Damaging"; Align-GVGD: "Class C0"). In summary, the available evidence is currently insufficient to determine the role of this variant in disease. Therefore, it has been classified as a Variant of Uncertain Significance.